The following is an entry in ClinVar:

NM_177438.3(DICER1):c.4437T>G (p.Tyr1479Ter)

Gene: DICER1 (dicer 1, ribonuclease III; minus strand). Cytogenetic location: 14q32.13.
Variant type: single nucleotide variant.
Coding change: c.4437T>G on transcript NM_177438.3 (MANE Select); coding-DNA position 4437, T replaced by G.
Protein change: p.Tyr1479Ter; replaces tyrosine 1479 with a stop codon.
Molecular consequence: nonsense. On other transcripts: non-coding transcript variant (6).
Genome position (GRCh38, 1-based): chr14:95,096,483, A>C on the plus strand (T>G on the coding strand, the complement: DICER1 is on the minus strand). VCF-style: chr14-95096483-A-C. GRCh37 (hg19) VCF-style: chr14-95562820-A-C.
Other names: c.4032T>G, p.Tyr1344Ter (NM_001395690.1, NM_001395696.1, NM_001395687.1 and 2 more transcripts); c.3870T>G, p.Tyr1290Ter (NM_001395691.1); c.4437T>G, p.Tyr1479Ter (NM_001395692.1, NM_001395693.1, NM_001395694.1 and 12 more transcripts); c.2754T>G, p.Tyr918Ter (NM_001395697.1); c.4155T>G, p.Tyr1385Ter (NM_001395686.1); short protein forms Y1479*, Y1290*, Y1385*, Y1344*, Y918*.
Identifiers: ClinVar variation 3726046 (VCV003726046.2).
Genomic context (GRCh38, chr14:95,096,483, plus strand): 5'-CTCAAAATCTGATGAAAATGGCATACTACCTAAGGAGGATTTTTTGGGCATTTTCCATTC[A>C]TATGCAGAATCAGTGGTTGAAAAAGGAGAAAGAGAGATTTTCTTTACAAAAGCTCCTGAC-3'

ClinVar aggregate classification (germline): Pathogenic (1 of 4 stars; one submission).

Conditions:
DICER1-related tumor predisposition. Also called: DICER1-related pleuropulmonary blastoma cancer predisposition syndrome; DICER1 syndrome. Identifiers: Orphanet 284343, MedGen C3839822, MONDO:0100216.

Submission:

Labcorp Genetics (formerly Invitae), Labcorp
Classification: Pathogenic for DICER1-related tumor predisposition. Last evaluated: 2024-11-25. Review status: criteria provided, single submitter. Criteria: Invitae Variant Classification Sherloc (09022015). Collection method: clinical testing. Allele origin: germline.
Comment: This sequence change creates a premature translational stop signal (p.Tyr1479*) in the DICER1 gene. It is expected to result in an absent or disrupted protein product. Loss-of-function variants in DICER1 are known to be pathogenic (PMID: 19556464, 21266384). This variant is not present in population databases (gnomAD no frequency). This variant has not been reported in the literature in individuals affected with DICER1-related conditions. For these reasons, this variant has been classified as Pathogenic.

Literature cited by the submitters: PubMed 19556464; PubMed 21266384.